The following is an entry in ClinVar:

ClinVar aggregate classification (germline): Uncertain significance. Review status: criteria provided, multiple submitters, no conflicts (2 of 4 stars). 2 submissions from 2 submitters: Uncertain significance (2). Last evaluated 2022-02-08.

gnomAD v4.1: 1 of 1,614,100 alleles (0.000062%); highest among the groups gnomAD compares: African/African-American, 0.0013%; no homozygotes.

Submissions (2):

Labcorp Genetics (formerly Invitae), Labcorp
Classification: Uncertain significance. Last evaluated: 2022-02-08. Review status: criteria provided, single submitter. Criteria: Invitae Variant Classification Sherloc (09022015). Collection method: clinical testing. Allele origin: germline.
Comment: This sequence change creates a premature translational stop signal (p.Trp509*) in the RCBTB1 gene. While this is not anticipated to result in nonsense mediated decay, it is expected to disrupt the last 23 amino acid(s) of the RCBTB1 protein. This variant is not present in population databases (gnomAD no frequency). This variant has not been reported in the literature in individuals affected with RCBTB1-related conditions. ClinVar contains an entry for this variant (Variation ID: 967396). Experimental studies and prediction algorithms are not available or were not evaluated, and the functional significance of this variant is currently unknown. In summary, the available evidence is currently insufficient to determine the role of this variant in disease. Therefore, it has been classified as a Variant of Uncertain Significance.

Blueprint Genetics
Classification: Uncertain significance. Last evaluated: 2021-06-21. Review status: criteria provided, single submitter. Criteria: ACMG Guidelines, 2015. Collection method: clinical testing. Allele origin: germline.

NM_018191.4(RCBTB1):c.1527G>A (p.Trp509Ter)

Gene: RCBTB1 (RCC1 and BTB domain containing protein 1; minus strand). Cytogenetic location: 13q14.2.
Variant type: single nucleotide variant.
Coding change: c.1527G>A on transcript NM_018191.4 (MANE Select); coding-DNA position 1527, G replaced by A.
Protein change: p.Trp509Ter; replaces tryptophan 509 with a stop codon.
Molecular consequence: nonsense. On other transcripts: non-coding transcript variant (2).
Genome position (GRCh38, 1-based): chr13:49,534,191, C>T on the plus strand (G>A on the coding strand, the complement: RCBTB1 is on the minus strand). VCF-style: chr13-49534191-C-T. GRCh37 (hg19) VCF-style: chr13-50108327-C-T.
Other names: c.1527G>A, p.Trp509Ter (NM_001352500.2, NM_001352501.2, NM_001352502.2 and 1 more transcripts); c.948G>A, p.Trp316Ter (NM_001352506.2); short protein forms W509*, W316*.
Identifiers: ClinVar variation 967396 (VCV000967396.6), dbSNP rs1959754771, ClinGen allele CA388185117.